The following is an entry in ClinVar:

ClinVar aggregate classification (germline): Uncertain significance (1 of 4 stars; one submission).

Submission:

Ambry Genetics
Classification: Uncertain significance. Last evaluated: 2024-09-30. Review status: criteria provided, single submitter. Criteria: Ambry Variant Classification Scheme 2023. Collection method: clinical testing. Allele origin: germline.
Comment: The p.N389D variant (also known as c.1165A>G), located in coding exon 3 of the TERF2IP gene, results from an A to G substitution at nucleotide position 1165. The asparagine at codon 389 is replaced by aspartic acid, an amino acid with highly similar properties. This amino acid position is conserved. In addition, this alteration is predicted to be tolerated by in silico analysis. Since supporting evidence is limited at this time, the clinical significance of this alteration remains unclear.

NM_018975.4(TERF2IP):c.1165A>G (p.Asn389Asp)

Gene: TERF2IP (TERF2 interacting protein; plus strand). Cytogenetic location: 16q23.1.
Variant type: single nucleotide variant.
Coding change: c.1165A>G on transcript NM_018975.4 (MANE Select); coding-DNA position 1165, A replaced by G.
Protein change: p.Asn389Asp; replaces asparagine 389 with aspartic acid.
Molecular consequence: missense variant. On other transcripts: non-coding transcript variant (1).
Genome position (GRCh38, 1-based): chr16:75,656,576, A>G. VCF-style: chr16-75656576-A-G. GRCh37 (hg19) VCF-style: chr16-75690474-A-G.
Other names: short protein forms N389D.
Identifiers: ClinVar variation 1737978 (VCV001737978.3), dbSNP rs2507090053, ClinGen allele CA396820404.